The following is an entry in ClinVar:

NM_000719.7(CACNA1C):c.5382C>T (p.His1794=)

Genes: CACNA1C (calcium voltage-gated channel subunit alpha1 C; plus strand), CACNA1C-AS1 (CACNA1C antisense RNA 1; minus strand). Cytogenetic location: 12p13.33.
Variant type: single nucleotide variant.
Coding change: c.5382C>T on transcript NM_000719.7 (MANE Select); coding-DNA position 5382, C replaced by T.
Protein change: p.His1794=; no amino-acid change (histidine 1794 retained).
Molecular consequence: synonymous variant.
Genome position (GRCh38, 1-based): chr12:2,679,734, C>T. VCF-style: chr12-2679734-C-T. GRCh37 (hg19) VCF-style: chr12-2788900-C-T.
Other names: c.5526C>T, p.His1842= (NM_001129827.2, NM_199460.4); c.5505C>T, p.His1835= (NM_001129829.2); c.5382C>T, p.His1794= (NM_001129830.3, NM_001129840.2, NM_001129841.2 and 4 more transcripts); c.5466C>T, p.His1822= (NM_001129831.2); c.5442C>T, p.His1814= (NM_001129832.2); c.5439C>T, p.His1813= (NM_001129833.2, NM_001129834.2, NM_001129835.2); c.5433C>T, p.His1811= (NM_001129836.2); c.5406C>T, p.His1802= (NM_001129837.2, NM_001129838.2); and 3 more.
Identifiers: ClinVar variation 695877 (VCV000695877.38), dbSNP rs377680168, ClinGen allele CA6389767.
Genomic context (GRCh38, chr12:2,679,734, plus strand): 5'-CCTGGGTCGCCTCCCTCGCCCCGCCGGCTACCCCAGCACGGTCAGCACTGTGGAGGGCCA[C>T]GGGCCCCCCTTGTCCCCTGCCATCCGGGTGCAGGAGGTGGCGTGGAAGCTCAGCTCCAAC-3'
Protein context (NP_000710.5, residues 1784-1804): YPSTVSTVEG[His1794=]GPPLSPAIRV

ClinVar aggregate classification (germline): Likely benign. Review status: criteria provided, multiple submitters, no conflicts (2 of 4 stars). 4 submissions from 4 submitters: Likely benign (4). Last evaluated 2026-06-02.

Conditions:
Long QT syndrome (LQTS). Identifiers: MedGen C0023976, MeSH D008133, MONDO:0002442. Disease mechanism: loss of function. Inheritance: Various modes of inheritance.
Cardiovascular phenotype. Identifiers: MedGen CN230736.
CACNA1C-related disorder. Also called: CACNA1C-related disorders; CACNA1C-related condition. Identifiers: MedGen CN381092, MONDO:0700321.

Allele frequency attached by ClinVar (database versions not stated): ExAC 0.00003; gnomAD 0.00003; TOPMed 0.00003; ESP Exome Variant Server 0.00008; 1000 Genomes Project 30x 0.00016; 1000 Genomes Project 0.00020.
gnomAD v4.1: 22 of 1,604,866 alleles (0.0014%); highest among the groups gnomAD compares: African/African-American, 0.015%; no homozygotes.

Submissions (4):

PreventionGenetics, part of Exact Sciences
Classification: Likely benign for CACNA1C-related condition. Last evaluated: 2026-06-02. Review status: criteria provided, single submitter. Criteria: ACMG Guidelines, 2015. Collection method: clinical testing. Allele origin: germline.
Comment: This variant is classified as likely benign based on ACMG/AMP sequence variant interpretation guidelines (Richards et al. 2015 PMID: 25741868, with internal and published modifications).

Labcorp Genetics (formerly Invitae), Labcorp
Classification: Likely benign for Long QT syndrome. Last evaluated: 2024-03-14. Review status: criteria provided, single submitter. Criteria: Invitae Variant Classification Sherloc (09022015). Collection method: clinical testing. Allele origin: germline.

CeGaT Center for Human Genetics Tuebingen
Classification: Likely benign. Last evaluated: 2022-08-01. Review status: criteria provided, single submitter. Criteria: CeGaT Center For Human Genetics Tuebingen Variant Classification Criteria Version 2. Collection method: clinical testing. Allele origin: germline. Affected: yes. Observed: 1 variant allele.
Comment: CACNA1C: BP4, BP7

Ambry Genetics
Classification: Likely benign for Cardiovascular phenotype. Last evaluated: 2020-09-28. Review status: criteria provided, single submitter. Criteria: Ambry Variant Classification Scheme 2023. Collection method: clinical testing. Allele origin: germline.